The following is an entry in ClinVar:

ClinVar aggregate classification (germline): Pathogenic (1 of 4 stars; one submission).

Submission:

Labcorp Genetics (formerly Invitae), Labcorp
Classification: Pathogenic. Last evaluated: 2025-09-02. Review status: criteria provided, single submitter. Criteria: Invitae Variant Classification Sherloc (09022015). Collection method: clinical testing. Allele origin: germline.
Comment: This sequence change creates a premature translational stop signal (p.Ile2706Leufs*4) in the VCAN gene. It is expected to result in an absent or disrupted protein product. Loss-of-function variants in VCAN are known to be pathogenic (PMID: 26720455). This variant is not present in population databases (gnomAD no frequency). This variant has not been reported in the literature in individuals affected with VCAN-related conditions. ClinVar contains an entry for this variant (Variation ID: 3638168). For these reasons, this variant has been classified as Pathogenic.

Literature cited by the submitters: PubMed 26720455.

NM_004385.5(VCAN):c.8116del (p.Ile2706fs)

Genes: VCAN (versican; plus strand), VCAN-AS1 (VCAN antisense RNA 1; minus strand). Cytogenetic location: 5q14.3.
Variant type: Deletion.
Coding change: c.8116del on transcript NM_004385.5 (MANE Select); coding-DNA position 8116, one base deleted (A; older notation c.8116delA).
Protein change: p.Ile2706fs; shifts the reading frame from isoleucine 2706.
Molecular consequence: frameshift variant. On other transcripts: intron variant (2).
Genome position (GRCh38, 1-based): chr5:83,541,119, A deleted. VCF-style (leftmost placement, unchanged base first): chr5-83541118-GA-G. GRCh37 (hg19) VCF-style: chr5-82836937-GA-G.
Other names: c.5155del, p.Ile1719fs (NM_001164097.2); c.4004-4418del (NM_001164098.2); c.1043-4418del (NM_001126336.3); short protein forms I1719fs, I2706fs.
Identifiers: ClinVar variation 3638168 (VCV003638168.2).